The following is an entry in ClinVar:

NM_000051.4(ATM):c.3441T>G (p.Ile1147Met)

Gene: ATM (ATM serine/threonine kinase; plus strand). Cytogenetic location: 11q22.3.
Variant type: single nucleotide variant.
Coding change: c.3441T>G on transcript NM_000051.4 (MANE Select); coding-DNA position 3441, T replaced by G.
Protein change: p.Ile1147Met; replaces isoleucine 1147 with methionine.
Molecular consequence: missense variant.
Genome position (GRCh38, 1-based): chr11:108,281,033, T>G. VCF-style: chr11-108281033-T-G. GRCh37 (hg19) VCF-style: chr11-108151760-T-G.
Other names: c.3441T>G, p.Ile1147Met (NM_001351834.2); short protein forms I1147M.
Identifiers: ClinVar variation 3705177 (VCV003705177.3).

ClinVar aggregate classification (germline): Conflicting classifications of pathogenicity. Review status: criteria provided, conflicting classifications (1 of 4 stars). 2 submissions from 2 submitters: Uncertain significance (1); Likely benign (1). Last evaluated 2026-04-02.

Conditions:
Hereditary cancer-predisposing syndrome. Also called: Hereditary Cancer Syndrome; Hereditary neoplastic syndrome; Neoplastic Syndromes, Hereditary; Tumor predisposition. Identifiers: Orphanet 140162, MedGen C0027672, MeSH D009386, MONDO:0015356.
Ataxia-telangiectasia syndrome (AT). Also called: Ataxia-telangiectasia, complementation group D; AT, COMPLEMENTATION GROUP C; LOUIS-BAR SYNDROME; Cerebello-oculocutaneous telangiectasia; Immunodeficiency with ataxia telangiectasia; ATAXIA-TELANGIECTASIA, COMPLEMENTATION GROUP A. Identifiers: Orphanet 100, MedGen C0004135, MONDO:0008840, OMIM 208900.

Submissions (2):

Ambry Genetics
Classification: Likely benign for Hereditary cancer-predisposing syndrome. Last evaluated: 2026-04-02. Review status: criteria provided, single submitter. Criteria: Ambry Variant Classification Scheme 2023. Collection method: clinical testing. Allele origin: germline.

Labcorp Genetics (formerly Invitae), Labcorp
Classification: Uncertain significance for Ataxia-telangiectasia syndrome. Last evaluated: 2024-06-06. Review status: criteria provided, single submitter. Criteria: Invitae Variant Classification Sherloc (09022015). Collection method: clinical testing. Allele origin: germline.
Comment: This sequence change replaces isoleucine, which is neutral and non-polar, with methionine, which is neutral and non-polar, at codon 1147 of the ATM protein (p.Ile1147Met). This variant is not present in population databases (gnomAD no frequency). This variant has not been reported in the literature in individuals affected with ATM-related conditions. An algorithm developed to predict the effect of missense changes on protein structure and function (PolyPhen-2) suggests that this variant is likely to be tolerated. In summary, the available evidence is currently insufficient to determine the role of this variant in disease. Therefore, it has been classified as a Variant of Uncertain Significance.